The following is an entry in ClinVar:

NM_002025.4(AFF2):c.2802T>C (p.Asn934=)

Gene: AFF2 (ALF transcription elongation factor 2; plus strand). Cytogenetic location: Xq28.
Variant type: single nucleotide variant.
Coding change: c.2802T>C on transcript NM_002025.4 (MANE Select); coding-DNA position 2802, T replaced by C.
Protein change: p.Asn934=; no amino-acid change (asparagine 934 retained).
Molecular consequence: synonymous variant.
Genome position (GRCh38, 1-based): chrX:148,962,826, T>C. VCF-style: chrX-148962826-T-C. GRCh37 (hg19) VCF-style: chrX-148044356-T-C.
Other names: c.2703T>C, p.Asn901= (NM_001169122.2); c.2772T>C, p.Asn924= (NM_001169123.2); c.2697T>C, p.Asn899= (NM_001169124.2); c.2685T>C, p.Asn895= (NM_001169125.2); c.1725T>C, p.Asn575= (NM_001170628.1).
Identifiers: ClinVar variation 4821687 (VCV004821687.4).

ClinVar aggregate classification (germline): Likely benign (1 of 4 stars; one submission).

Submission:

CeGaT Center for Human Genetics Tuebingen
Classification: Likely benign. Last evaluated: 2026-03-01. Review status: criteria provided, single submitter. Criteria: CeGaT Center For Human Genetics Tuebingen Variant Classification Criteria Version 2. Collection method: clinical testing. Allele origin: germline. Affected: yes. Observed: 1 variant allele.
Comment: AFF2: PM2:Supporting, BP4, BP7